The following is an entry in ClinVar:

NM_001079843.3(CASZ1):c.2577C>T (p.Pro859=)

Gene: CASZ1 (castor zinc finger 1; minus strand). Cytogenetic location: 1p36.22.
Variant type: single nucleotide variant.
Coding change: c.2577C>T on transcript NM_001079843.3 (MANE Select); coding-DNA position 2577, C replaced by T.
Protein change: p.Pro859=; no amino-acid change (proline 859 retained).
Molecular consequence: synonymous variant.
Genome position (GRCh38, 1-based): chr1:10,653,480, G>A on the plus strand (C>T on the coding strand, the complement: CASZ1 is on the minus strand). VCF-style: chr1-10653480-G-A. GRCh37 (hg19) VCF-style: chr1-10713537-G-A.
Other names: c.2577C>T, p.Pro859= (NM_017766.5).
Identifiers: ClinVar variation 1627273 (VCV001627273.34), dbSNP rs200262732, ClinGen allele CA584836.

ClinVar aggregate classification (germline): Benign/Likely benign. Review status: criteria provided, multiple submitters, no conflicts (2 of 4 stars). 4 submissions from 4 submitters: Benign (2); Likely benign (2). Last evaluated 2026-09-01.

Allele frequency attached by ClinVar (database versions not stated): ESP Exome Variant Server 0.00023; gnomAD 0.00030 and 0.00049; gnomAD exomes 0.00048 and 0.00104; TOPMed 0.00056; ExAC 0.00103; 1000 Genomes Project 30x 0.00125; 1000 Genomes Project 0.00140.
gnomAD v4.1: 818 of 1,613,022 alleles (0.051%); highest among the groups gnomAD compares: East Asian, 0.51%; 6 homozygotes.

Submissions (4):

CeGaT Center for Human Genetics Tuebingen
Classification: Likely benign. Last evaluated: 2026-09-01. Review status: criteria provided, single submitter. Criteria: CeGaT Center For Human Genetics Tuebingen Variant Classification Criteria Version 2. Collection method: clinical testing. Allele origin: germline. Affected: yes. Observed: 3 variant alleles.
Comment: CASZ1: BP4, BP7

Labcorp Genetics (formerly Invitae), Labcorp
Classification: Benign. Last evaluated: 2025-03-26. Review status: criteria provided, single submitter. Criteria: Invitae Variant Classification Sherloc (09022015). Collection method: clinical testing. Allele origin: germline.

Blueprint Genetics
Classification: Likely benign. Last evaluated: 2024-10-22. Review status: criteria provided, single submitter. Criteria: ACMG Guidelines, 2015. Collection method: clinical testing. Allele origin: germline.

Breakthrough Genomics
Classification: Benign. Review status: criteria provided, single submitter. Criteria: ACMG Guidelines, 2015. Collection method: not provided. Allele origin: germline. Inheritance: Unknown mechanism. Affected: yes.